The following is an entry in ClinVar:

ClinVar aggregate classification (germline): Uncertain significance. Review status: criteria provided, multiple submitters, no conflicts (2 of 4 stars). 2 submissions from 2 submitters: Uncertain significance (2). Last evaluated 2025-01-09.

Conditions:
Inborn genetic diseases. Identifiers: MedGen C0950123, MeSH D030342.
Deficiency of alpha-mannosidase (MANSA). Also called: Alpha-Mannosidosis; Mannosidosis, alpha-, types I and II; LYSOSOMAL ALPHA-D-MANNOSIDASE DEFICIENCY. Identifiers: Orphanet 61, MedGen C0024748, MONDO:0009561, OMIM 248500.

Allele frequency attached by ClinVar (database versions not stated): gnomAD exomes 0.00001 and 0.00002; gnomAD 0.00012 and 0.00013; 1000 Genomes Project 30x 0.00016; TOPMed 0.00019; 1000 Genomes Project 0.00040.

Submissions (2):

Ambry Genetics
Classification: Uncertain significance for Inborn genetic diseases. Last evaluated: 2025-01-09. Review status: criteria provided, single submitter. Criteria: Ambry Variant Classification Scheme 2023. Collection method: clinical testing. Allele origin: germline.

Labcorp Genetics (formerly Invitae), Labcorp
Classification: Uncertain significance for Deficiency of alpha-mannosidase. Last evaluated: 2023-12-11. Review status: criteria provided, single submitter. Criteria: Invitae Variant Classification Sherloc (09022015). Collection method: clinical testing. Allele origin: germline.
Comment: This sequence change replaces valine, which is neutral and non-polar, with isoleucine, which is neutral and non-polar, at codon 10 of the MAN2B1 protein (p.Val10Ile). The frequency data for this variant in the population databases is considered unreliable, as metrics indicate poor data quality at this position in the gnomAD database. This variant has not been reported in the literature in individuals affected with MAN2B1-related conditions. ClinVar contains an entry for this variant (Variation ID: 1435864). Advanced modeling of protein sequence and biophysical properties (such as structural, functional, and spatial information, amino acid conservation, physicochemical variation, residue mobility, and thermodynamic stability) performed at Invitae indicates that this missense variant is not expected to disrupt MAN2B1 protein function with a negative predictive value of 95%. In summary, the available evidence is currently insufficient to determine the role of this variant in disease. Therefore, it has been classified as a Variant of Uncertain Significance.

NM_000528.4(MAN2B1):c.28G>A (p.Val10Ile)

Genes: MAN2B1 (mannosidase alpha class 2B member 1; minus strand), LOC130063650 (ATAC-STARR-seq lymphoblastoid silent region 10156; plus strand). Cytogenetic location: 19p13.13.
Variant type: single nucleotide variant.
Coding change: c.28G>A on transcript NM_000528.4 (MANE Select); coding-DNA position 28, G replaced by A.
Protein change: p.Val10Ile; replaces valine 10 with isoleucine.
Molecular consequence: missense variant.
Genome position (GRCh38, 1-based): chr19:12,666,674, C>T on the plus strand (G>A on the coding strand, the complement: MAN2B1 is on the minus strand). VCF-style: chr19-12666674-C-T. GRCh37 (hg19) VCF-style: chr19-12777488-C-T.
Other names: c.28G>A, p.Val10Ile (NM_001173498.2); c.28G>A (NM_000528.3); short protein forms V10I.
Identifiers: ClinVar variation 1435864 (VCV001435864.5), dbSNP rs558131886, ClinGen allele CA305479282.